The following is an entry in ClinVar:

NM_001376.5(DYNC1H1):c.3395G>A (p.Gly1132Glu)

Gene: DYNC1H1 (dynein cytoplasmic 1 heavy chain 1; plus strand). Cytogenetic location: 14q32.31.
Variant type: single nucleotide variant.
Coding change: c.3395G>A on transcript NM_001376.5 (MANE Select); coding-DNA position 3395, G replaced by A.
Protein change: p.Gly1132Glu; replaces glycine 1132 with glutamic acid.
Molecular consequence: missense variant.
Genome position (GRCh38, 1-based): chr14:101,995,047, G>A. VCF-style: chr14-101995047-G-A. GRCh37 (hg19) VCF-style: chr14-102461384-G-A.
Other names: short protein forms G1132E.
Identifiers: ClinVar variation 1685755 (VCV001685755.25), dbSNP rs2141280974, ClinGen allele CA391033896.

ClinVar aggregate classification (germline): Pathogenic. Review status: criteria provided, multiple submitters, no conflicts (2 of 4 stars). 2 submissions from 2 submitters: Pathogenic (2). Last evaluated 2023-10-01.

Conditions:
Autosomal dominant childhood-onset proximal spinal muscular atrophy without contractures. Also called: SPINAL MUSCULAR ATROPHY, JUVENILE, PROXIMAL, AUTOSOMAL DOMINANT; Spinal muscular atrophy, lower extremity-predominant 1, AD; SPINAL MUSCULAR ATROPHY, CHILDHOOD, PROXIMAL, AUTOSOMAL DOMINANT; KUGELBERG-WELANDER SYNDROME, AUTOSOMAL DOMINANT. Identifiers: Orphanet 209341, Orphanet 363447, MedGen C5780022, MONDO:0008026, OMIM 158600.

Submissions (2):

CeGaT Center for Human Genetics Tuebingen
Classification: Pathogenic. Last evaluated: 2023-10-01. Review status: criteria provided, single submitter. Criteria: CeGaT Center For Human Genetics Tuebingen Variant Classification Criteria Version 2. Collection method: clinical testing. Allele origin: germline. Affected: yes. Observed: 1 variant allele.
Comment: DYNC1H1: PS2:Very Strong, PM2, PP2, PP3, PS4:Supporting

Mendelics
Classification: Pathogenic for Autosomal dominant childhood-onset proximal spinal muscular atrophy without contractures. Last evaluated: 2022-05-04. Review status: criteria provided, single submitter. Criteria: Mendelics Assertion Criteria 2019. Collection method: clinical testing. Allele origin: germline.